The following is an entry in ClinVar:

ClinVar aggregate classification (germline): Uncertain significance (1 of 4 stars; one submission).

Conditions:
Joubert syndrome 23 (JBTS23). Identifiers: Orphanet 475, MedGen C4084822, MONDO:0014664, OMIM 616490.
Short-rib thoracic dysplasia 14 with polydactyly (SRTD14). Identifiers: Orphanet 397715, MedGen C4225286, MONDO:0014688, OMIM 616546.

Submission:

Labcorp Genetics (formerly Invitae), Labcorp
Classification: Uncertain significance for Joubert syndrome 23; Short-rib thoracic dysplasia 14 with polydactyly. Last evaluated: 2022-10-13. Review status: criteria provided, single submitter. Criteria: Invitae Variant Classification Sherloc (09022015). Collection method: clinical testing. Allele origin: germline.
Comment: This variant results in a copy number gain of the genomic region encompassing exon(s) 33-34 of the KIAA0586 gene. This region includes the termination codon of the gene. This copy number gain extends beyond the assayed region for this gene and therefore may encompass additional genes. As the precise location of this event is unknown, it may be in tandem or it may be located elsewhere in the genome. This variant has not been reported in the literature in individuals affected with KIAA0586-related conditions. In summary, the available evidence is currently insufficient to determine the role of this variant in disease. Therefore, it has been classified as a Variant of Uncertain Significance.

NC_000014.8:g.(?_59010581)_(59014694_?)dup

Gene: KIAA0586 (KIAA0586; plus strand). Cytogenetic location: 14q23.1.
Variant type: Duplication.
Identifiers: ClinVar variation 2424017 (VCV002424017.3).